The following is an entry in ClinVar:

NM_139057.4(ADAMTS17):c.*2324G>A

Gene: ADAMTS17 (ADAM metallopeptidase with thrombospondin type 1 motif 17; minus strand). Cytogenetic location: 15q26.3.
Variant type: single nucleotide variant.
Coding change: c.*2324G>A on transcript NM_139057.4 (MANE Select); 2324 bases downstream of the stop codon, G replaced by A.
Molecular consequence: 3 prime UTR variant.
Genome position (GRCh38, 1-based): chr15:99,972,078, C>T on the plus strand (G>A on the coding strand, the complement: ADAMTS17 is on the minus strand). VCF-style: chr15-99972078-C-T. GRCh37 (hg19) VCF-style: chr15-100512283-C-T.
Identifiers: ClinVar variation 315150 (VCV000315150.5), dbSNP rs8041395, ClinGen allele CA10636883.

ClinVar aggregate classification (germline): Benign (1 of 4 stars; one submission).

Conditions:
Weill-Marchesani 4 syndrome, recessive. Also called: Weill-Marchesani syndrome 4. Identifiers: Orphanet 363992, MedGen C2750787, MONDO:0013176, OMIM 613195.

Allele frequency attached by ClinVar (database versions not stated): 1000 Genomes Project 0.01458; gnomAD 0.01510 and 0.01632; 1000 Genomes Project 30x 0.01546.

Submission:

Illumina Laboratory Services, Illumina
Classification: Benign for Weill-Marchesani 4 syndrome, recessive. Last evaluated: 2018-01-12. Review status: criteria provided, single submitter. Criteria: ICSL Variant Classification Criteria 13 December 2019. Collection method: clinical testing. Allele origin: germline.
Comment: This variant was observed in the ICSL laboratory as part of a predisposition screen in an ostensibly healthy population. It had not been previously curated by ICSL or reported in the Human Gene Mutation Database (HGMD: prior to June 1st, 2018), and was therefore a candidate for classification through an automated scoring system. Utilizing variant allele frequency, disease prevalence and penetrance estimates, and inheritance mode, an automated score was calculated to assess if this variant is too frequent to cause the disease. Based on the score and internal cut-off values, a variant classified as benign is not then subjected to further curation. The score for this variant resulted in a classification of benign for this disease.